The following is an entry in ClinVar:

NM_001999.4(FBN2):c.6163A>G (p.Ile2055Val)

Gene: FBN2 (fibrillin 2; minus strand). Cytogenetic location: 5q23.3.
Variant type: single nucleotide variant.
Coding change: c.6163A>G on transcript NM_001999.4 (MANE Select); coding-DNA position 6163, A replaced by G.
Protein change: p.Ile2055Val; replaces isoleucine 2055 with valine.
Molecular consequence: missense variant.
Genome position (GRCh38, 1-based): chr5:128,300,820, T>C on the plus strand (A>G on the coding strand, the complement: FBN2 is on the minus strand). VCF-style: chr5-128300820-T-C. GRCh37 (hg19) VCF-style: chr5-127636512-T-C.
Other names: short protein forms I2055V.
Identifiers: ClinVar variation 4975305 (VCV004975305.1).
Genomic context (GRCh38, chr5:128,300,820, plus strand): 5'-TACCATGTCTTACTATACTGAACTACTAGTGGGCCTCAGAATAAATGTTACTCTTACCAA[T>C]GCAGTTCTCGCTTTTTACTTCATACCCTGGGGGACAGATGCATCTGAAGGATCCCTCCAA-3'
Protein context (NP_001990.2, residues 2045-2065): PGYEVKSENC[Ile2055Val]DINECDEDPN

ClinVar aggregate classification (germline): Uncertain significance (1 of 4 stars; one submission).

gnomAD v4.1: 1 of 1,614,024 alleles (0.000062%); highest among the groups gnomAD compares: Admixed American, 0.0017%; no homozygotes.

Submission:

GeneDx
Classification: Uncertain significance. Last evaluated: 2026-01-21. Review status: criteria provided, single submitter. Criteria: GeneDx Variant Classification Process June 2021. Collection method: clinical testing. Allele origin: germline.
Comment: Not observed at significant frequency in large population cohorts (gnomAD); In silico analysis suggests that this missense variant does not alter protein structure/function; Although located in a calcium-binding EGF-like domain of the FBN2 gene, it does not substitute or introduce a cysteine residue (PMID: 19006240, 18767143); Has not been previously published as pathogenic or benign to our knowledge; This variant is associated with the following publications: (PMID: 18767143, 19006240)